The following is an entry in ClinVar:

ClinVar aggregate classification (germline): Benign. Review status: criteria provided, multiple submitters, no conflicts (2 of 4 stars). 2 submissions from 2 submitters: Benign (2). Last evaluated 2026-01-24.

Allele frequency attached by ClinVar (database versions not stated): ExAC 0.00024; gnomAD exomes 0.00027; 1000 Genomes Project 30x 0.00031; gnomAD 0.00081 and 0.00092; 1000 Genomes Project 0.00180.
gnomAD v4.1: 327 of 1,544,004 alleles (0.021%); highest among the groups gnomAD compares: African/African-American, 0.26%; no homozygotes.

Submissions (2):

Labcorp Genetics (formerly Invitae), Labcorp
Classification: Benign. Last evaluated: 2026-01-24. Review status: criteria provided, single submitter. Criteria: Invitae Variant Classification Sherloc (09022015). Collection method: clinical testing. Allele origin: germline.

GeneDx
Classification: Benign. Last evaluated: 2014-12-23. Review status: criteria provided, single submitter. Criteria: GeneDx Variant Classification (06012015). Collection method: clinical testing. Allele origin: germline. Affected: yes.
Comment: This variant is considered likely benign or benign based on one or more of the following criteria: it is a conservative change, it occurs at a poorly conserved position in the protein, it is predicted to be benign by multiple in silico algorithms, and/or has population frequency not consistent with disease.

NM_020117.11(LARS1):c.2769+14G>T

Gene: LARS1 (leucyl-tRNA synthetase 1; minus strand). Cytogenetic location: 5q32.
Variant type: single nucleotide variant.
Coding change: c.2769+14G>T on transcript NM_020117.11 (MANE Select); 14 bases into the intron after coding-DNA position 2769, G replaced by T.
Molecular consequence: intron variant.
Genome position (GRCh38, 1-based): chr5:146,128,964, C>A on the plus strand (G>T on the coding strand, the complement: LARS1 is on the minus strand). VCF-style: chr5-146128964-C-A. GRCh37 (hg19) VCF-style: chr5-145508527-C-A.
Other names: c.2607+14G>T (NM_001317965.2); c.2688+14G>T (NM_016460.4); c.2631+14G>T (NM_001317964.2).
Identifiers: ClinVar variation 214564 (VCV000214564.9), dbSNP rs531785197, ClinGen allele CA321769.